The following is an entry in ClinVar:

NM_032638.5(GATA2):c.1280C>G (p.Pro427Arg)

Gene: GATA2 (GATA binding protein 2; minus strand). Cytogenetic location: 3q21.3.
Variant type: single nucleotide variant.
Coding change: c.1280C>G on transcript NM_032638.5 (MANE Select); coding-DNA position 1280, C replaced by G.
Protein change: p.Pro427Arg; replaces proline 427 with arginine.
Molecular consequence: missense variant.
Genome position (GRCh38, 1-based): chr3:128,481,182, G>C on the plus strand (C>G on the coding strand, the complement: GATA2 is on the minus strand). VCF-style: chr3-128481182-G-C. GRCh37 (hg19) VCF-style: chr3-128200025-G-C.
Other names: c.1280C>G, p.Pro427Arg (NM_001145661.2); c.1238C>G, p.Pro413Arg (NM_001145662.1); short protein forms P413R, P427R.
Identifiers: ClinVar variation 848285 (VCV000848285.9), dbSNP rs2068623217, ClinGen allele CA354412874.

ClinVar aggregate classification (germline): Uncertain significance (1 of 4 stars; one submission).

Conditions:
Deafness-lymphedema-leukemia syndrome. Also called: Lymphedema, primary, with myelodysplasia; Emberger syndrome. Identifiers: Orphanet 3226, MedGen C3279664, MONDO:0013540, OMIM 614038.
Monocytopenia with susceptibility to infections. Also called: Dendritic cell, monocyte, B lymphocyte, and natural killer lymphocyte deficiency; MONOCYTOPENIA AND MYCOBACTERIAL INFECTION SYNDROME; MONOCYTOPENIA WITH SUSCEPTIBILITY TO MYCOBACTERIAL, FUNGAL, AND PAPILLOMAVIRUS INFECTIONS AND MYELODYSPLASIA; COMBINED IMMUNODEFICIENCY WITH SUSCEPTIBILITY TO MYCOBACTERIAL, VIRAL, AND FUNGAL INFECTIONS; IMMUNODEFICIENCY 21; GATA2 DEFICIENCY. Identifiers: Orphanet 228423, MedGen C3280030, MONDO:0013607, OMIM 614172.

Submission:

Labcorp Genetics (formerly Invitae), Labcorp
Classification: Uncertain significance for Monocytopenia with susceptibility to infections; Deafness-lymphedema-leukemia syndrome. Last evaluated: 2019-11-26. Review status: criteria provided, single submitter. Criteria: Invitae Variant Classification Sherloc (09022015). Collection method: clinical testing. Allele origin: germline.
Comment: In summary, the available evidence is currently insufficient to determine the role of this variant in disease. Therefore, it has been classified as a Variant of Uncertain Significance. Algorithms developed to predict the effect of missense changes on protein structure and function are either unavailable or do not agree on the potential impact of this missense change (SIFT: "Tolerated"; PolyPhen-2: "Probably Damaging"; Align-GVGD: "Class C0"). This variant has not been reported in the literature in individuals with GATA2-related conditions. This variant is not present in population databases (ExAC no frequency). This sequence change replaces proline with arginine at codon 427 of the GATA2 protein (p.Pro427Arg). The proline residue is moderately conserved and there is a moderate physicochemical difference between proline and arginine.